The following is an entry in ClinVar:

ClinVar aggregate classification (germline): Uncertain significance (1 of 4 stars; one submission).

Submission:

CeGaT Center for Human Genetics Tuebingen
Classification: Uncertain significance. Last evaluated: 2022-07-01. Review status: criteria provided, single submitter. Criteria: CeGaT Center For Human Genetics Tuebingen Variant Classification Criteria Version 2. Collection method: clinical testing. Allele origin: germline. Affected: yes. Observed: 1 variant allele.
Comment: CLPB: PM2, BP4

NM_001258392.3(CLPB):c.-3A>G

Genes: CLPB (ClpB family mitochondrial disaggregase; minus strand), LOC130006336 (ATAC-STARR-seq lymphoblastoid active region 5191; plus strand). Cytogenetic location: 11q13.4.
Variant type: single nucleotide variant.
Coding change: c.-3A>G on transcript NM_001258392.3 (MANE Select); 3 bases upstream of the start codon, A replaced by G.
Molecular consequence: 5 prime UTR variant.
Genome position (GRCh38, 1-based): chr11:72,434,477, T>C on the plus strand (A>G on the coding strand, the complement: CLPB is on the minus strand). VCF-style: chr11-72434477-T-C. GRCh37 (hg19) VCF-style: chr11-72145521-T-C.
Other names: c.-3A>G (NM_001258393.3, NM_030813.6); c.-245A>G (NM_001258394.3).
Identifiers: ClinVar variation 2642121 (VCV002642121.24), dbSNP rs2496018135, ClinGen allele CA2695198933.
Genomic context (GRCh38, chr11:72,434,477, plus strand): 5'-GCCGGAGGAGTAGCCGTGGCGCCAGTGCTTTTCTCCTCAACACCAGGGACCCCAGCATCT[T>C]GACAGCTGCTTCGATAACCCCGTGGTGCCGGCCCCTGTGCTGACCACGTCCAACATGGCT-3'